The following is an entry in ClinVar:

NM_177438.3(DICER1):c.5470G>C (p.Gly1824Arg)

Gene: DICER1 (dicer 1, ribonuclease III; minus strand). Cytogenetic location: 14q32.13.
Variant type: single nucleotide variant.
Coding change: c.5470G>C on transcript NM_177438.3 (MANE Select); coding-DNA position 5470, G replaced by C.
Protein change: p.Gly1824Arg; replaces glycine 1824 with arginine.
Molecular consequence: missense variant. On other transcripts: intron variant (1).
Genome position (GRCh38, 1-based): chr14:95,091,260, C>G on the plus strand (G>C on the coding strand, the complement: DICER1 is on the minus strand). VCF-style: chr14-95091260-C-G. GRCh37 (hg19) VCF-style: chr14-95557597-C-G.
Other names: NM_177438.3(DICER1):c.5470G>C; p.Gly1824Arg; c.5470G>C, p.Gly1824Arg (NM_001271282.3, NM_001291628.2, NM_030621.4); c.5365-151G>C (NM_001195573.1); short protein forms G1824R.
Identifiers: ClinVar variation 483420 (VCV000483420.16), dbSNP rs752411788, ClinGen allele CA390864581.

ClinVar aggregate classification (germline): Uncertain significance. Review status: reviewed by expert panel (3 of 4 stars). 3 submissions from 3 submitters: Uncertain significance (1). 2 of the submissions do not count toward it. Last evaluated 2025-08-26.

Conditions:
DICER1-related tumor predisposition. Also called: DICER1-related pleuropulmonary blastoma cancer predisposition syndrome; DICER1 syndrome. Identifiers: Orphanet 284343, MedGen C3839822, MONDO:0100216.
Hereditary cancer-predisposing syndrome. Also called: Hereditary neoplastic syndrome; Neoplastic Syndromes, Hereditary; Tumor predisposition; Hereditary Cancer Syndrome. Identifiers: Orphanet 140162, MedGen C0027672, MeSH D009386, MONDO:0015356.

Allele frequency attached by ClinVar (database versions not stated): gnomAD exomes below 0.00001.
gnomAD v4.1: 1 of 1,614,126 alleles (0.000062%); highest among the groups gnomAD compares: Non-Finnish European, 0.000085%; no homozygotes.

Submissions (3):

ClinGen DICER1 and miRNA-Processing Gene Variant Curation Expert Panel, ClinGen
Classification: Uncertain significance for DICER1-related tumor predisposition. Last evaluated: 2025-08-26. Review status: reviewed by expert panel. Criteria: ClinGen DICER1 ACMG Specifications DICER1 V1.4.0. Collection method: curation. Allele origin: germline. Inheritance: Autosomal dominant inheritance.
Comment: The NM_177438.2:c.5470G>C variant in DICER1 is a missense variant predicted to cause substitution of glycine by arginine at amino acid 1824 (p.Gly1824Arg). Although this variant has been observed in individuals undergoing genetic sequencing, to our knowledge, this variant has not been reported in individuals with DICER1-related tumor predisposition (PS4 not met; Internal lab contributors). This variant has an allele frequency of 6.195e-7 (1/1614126 alleles) across gnomAD v4.1.0 with no more than one allele in any subpopulation, which is lower than the ClinGen DICER1 VCEP threshold (<0.000005) for PM2_Supporting, and therefore meets this criterion (PM2_Supporting). This variant resides within the RNase IIIb domain of DICER1, a mutational hotspot domain with critical functionality as defined by the ClinGen DICER1 VCEP (PM1_Supporting; PMID: 31342592). In summary, this variant meets the criteria to be classified as Uncertain Significance for DICER1-related tumor predisposition based on the ACMG/AMP criteria applied, as specified by the ClinGen DICER1 VCEP: PM1_Supporting, PM2_Supporting. (Bayesian Points: 2; VCEP specifications version 1.4.0; 08/26/2025)

Labcorp Genetics (formerly Invitae), Labcorp
Classification: Uncertain significance for DICER1-related tumor predisposition. Last evaluated: 2025-04-13. Review status: criteria provided, single submitter. Criteria: Invitae Variant Classification Sherloc (09022015). Collection method: clinical testing. Allele origin: germline. Not counted in ClinVar's aggregate classification.
Comment: This sequence change replaces glycine, which is neutral and non-polar, with arginine, which is basic and polar, at codon 1824 of the DICER1 protein (p.Gly1824Arg). This variant is not present in population databases (gnomAD no frequency). This variant has not been reported in the literature in individuals affected with DICER1-related conditions. ClinVar contains an entry for this variant (Variation ID: 483420). Invitae Evidence Modeling of protein sequence and biophysical properties (such as structural, functional, and spatial information, amino acid conservation, physicochemical variation, residue mobility, and thermodynamic stability) indicates that this missense variant is not expected to disrupt DICER1 protein function with a negative predictive value of 95%. In summary, the available evidence is currently insufficient to determine the role of this variant in disease. Therefore, it has been classified as a Variant of Uncertain Significance.

Ambry Genetics
Classification: Uncertain significance for Hereditary cancer-predisposing syndrome. Last evaluated: 2023-05-16. Review status: criteria provided, single submitter. Criteria: Ambry Variant Classification Scheme 2023. Collection method: clinical testing. Allele origin: germline. Not counted in ClinVar's aggregate classification.
Comment: The p.G1824R variant (also known as c.5470G>C), located in coding exon 24 of the DICER1 gene, results from a G to C substitution at nucleotide position 5470. The glycine at codon 1824 is replaced by arginine, an amino acid with dissimilar properties. This amino acid position is well conserved in available vertebrate species. In addition, this alteration is predicted to be deleterious by in silico analysis. Since supporting evidence is limited at this time, the clinical significance of this alteration remains unclear.